The following is an entry in ClinVar:

NM_003072.5(SMARCA4):c.1847C>T (p.Pro616Leu)

Gene: SMARCA4 (SWI/SNF related BAF chromatin remodeling complex subunit ATPase 4; plus strand). Cytogenetic location: 19p13.2.
Variant type: single nucleotide variant.
Coding change: c.1847C>T on transcript NM_003072.5 (MANE Select); coding-DNA position 1847, C replaced by T.
Protein change: p.Pro616Leu; replaces proline 616 with leucine.
Molecular consequence: missense variant. On other transcripts: non-coding transcript variant (1).
Genome position (GRCh38, 1-based): chr19:11,003,063, C>T. VCF-style: chr19-11003063-C-T. GRCh37 (hg19) VCF-style: chr19-11113739-C-T.
Other names: c.1847C>T, p.Pro616Leu (NM_001128844.3, NM_001128845.2, NM_001128846.2 and 5 more transcripts); short protein forms P616L.
Identifiers: ClinVar variation 470263 (VCV000470263.19), dbSNP rs755935365, ClinGen allele CA9203920.

ClinVar aggregate classification (germline): Conflicting classifications of pathogenicity. Review status: criteria provided, conflicting classifications (1 of 4 stars). 8 submissions from 8 submitters: Uncertain significance (6); Likely benign (2). Last evaluated 2026-07-07.

Conditions:
SMARCA4-related disorder. Also called: SMARCA4-related condition.
Hereditary cancer-predisposing syndrome. Also called: Hereditary Cancer Syndrome; Hereditary neoplastic syndrome; Neoplastic Syndromes, Hereditary; Tumor predisposition. Identifiers: Orphanet 140162, MedGen C0027672, MeSH D009386, MONDO:0015356.
Rhabdoid tumor predisposition syndrome 2 (RTPS2). Identifiers: Orphanet 231108, Orphanet 69077, MedGen C2750074, MONDO:0013224, OMIM 613325.
Intellectual disability, autosomal dominant 16 (CSS4). Also called: COFFIN-SIRIS SYNDROME 4. Identifiers: Orphanet 1465, MedGen C3553249, MONDO:0013821, OMIM 614609.

Allele frequency attached by ClinVar (database versions not stated): gnomAD exomes 0.00002 and 0.00004; TOPMed 0.00002; gnomAD 0.00004 and 0.00003; ExAC 0.00002.
gnomAD v4.1: 61 of 1,613,958 alleles (0.0038%); highest among the groups gnomAD compares: African/African-American, 0.008%; no homozygotes.

Submissions (8):

Myriad Genetics, Inc.
Classification: Likely benign for Rhabdoid tumor predisposition syndrome 2. Last evaluated: 2026-07-07. Review status: criteria provided, single submitter. Criteria: Myriad Autosomal Dominant, Autosomal Recessive and X-Linked Classification Criteria (2023). Collection method: clinical testing. Allele origin: unknown.
Comment: This variant is considered likely benign. This variant has been observed at a population frequency that is significantly greater than expected given the associated disease prevalence and penetrance.

PreventionGenetics, part of Exact Sciences
Classification: Uncertain significance for SMARCA4-related condition. Last evaluated: 2026-05-12. Review status: criteria provided, single submitter. Criteria: ACMG Guidelines, 2015. Collection method: clinical testing. Allele origin: germline.
Comment: The SMARCA4 c.1847C>T variant is predicted to result in the amino acid substitution p.Pro616Leu. This variant has been reported in a cohort of individuals with neurodevelopmental disorders (Valencia et al. 2023. PubMed ID: 37500730). It is reported in 0.0080% of alleles in individuals of African descent in gnomAD and has conflicting interpretations in ClinVar ranging from likely benign to uncertain (Variation ID: 470263). At this time, the clinical significance of this variant is uncertain due to the absence of conclusive functional and genetic evidence.

Labcorp Genetics (formerly Invitae), Labcorp
Classification: Uncertain significance for Rhabdoid tumor predisposition syndrome 2. Last evaluated: 2025-01-21. Review status: criteria provided, single submitter. Criteria: Invitae Variant Classification Sherloc (09022015). Collection method: clinical testing. Allele origin: germline.
Comment: This sequence change replaces proline, which is neutral and non-polar, with leucine, which is neutral and non-polar, at codon 616 of the SMARCA4 protein (p.Pro616Leu). This variant is present in population databases (rs755935365, gnomAD 0.008%). This missense change has been observed in individual(s) with neurodevelopmental disorders (PMID: 37500730). ClinVar contains an entry for this variant (Variation ID: 470263). Invitae Evidence Modeling of protein sequence and biophysical properties (such as structural, functional, and spatial information, amino acid conservation, physicochemical variation, residue mobility, and thermodynamic stability) has been performed for this missense variant. However, the output from this modeling did not meet the statistical confidence thresholds required to predict the impact of this variant on SMARCA4 protein function. In summary, the available evidence is currently insufficient to determine the role of this variant in disease. Therefore, it has been classified as a Variant of Uncertain Significance.

Baylor Genetics
Classification: Uncertain significance for Rhabdoid tumor predisposition syndrome 2. Last evaluated: 2023-12-23. Review status: criteria provided, single submitter. Criteria: ACMG Guidelines, 2015. Collection method: clinical testing. Allele origin: unknown.

GeneDx
Classification: Uncertain significance. Last evaluated: 2023-03-21. Review status: criteria provided, single submitter. Criteria: GeneDx Variant Classification Process June 2021. Collection method: clinical testing. Allele origin: germline. Affected: yes.
Comment: In silico analysis supports that this missense variant has a deleterious effect on protein structure/function; Has not been previously published as pathogenic or benign to our knowledge; This variant is associated with the following publications: (PMID: 24658002)

Sema4
Classification: Uncertain significance for Hereditary cancer-predisposing syndrome. Last evaluated: 2022-01-21. Review status: criteria provided, single submitter. Criteria: Sema4 Curation Guidelines. Collection method: curation. Allele origin: germline.
Comment: The SMARCA4 c.1847C>T (p.P616L) variant has not been reported in the literature to our knowledge. It was observed in 7/282832 chromosomes across the large and broad cohorts of the Genome Aggregation Database (PMID: 32461654). The variant has been reported in ClinVar (Variation ID 470263). Functional studies have not been performed, and in silico predictions of the variant's effect on protein function are inconclusive. The evidence is insufficient to meet ACMG/AMP criteria for classifying the variant as benign or pathogenic. Thus, the clinical significance of this variant is currently uncertain.

Genome-Nilou Lab
Classification: Uncertain significance for Intellectual disability, autosomal dominant 16. Last evaluated: 2021-07-15. Review status: criteria provided, single submitter. Criteria: ACMG Guidelines, 2015. Collection method: clinical testing. Allele origin: germline. Affected: no.

Ambry Genetics
Classification: Likely benign for Hereditary cancer-predisposing syndrome. Last evaluated: 2021-01-29. Review status: criteria provided, single submitter. Criteria: Ambry Variant Classification Scheme 2023. Collection method: clinical testing. Allele origin: germline.

Literature cited by the submitters: PubMed 37500730 (cited by Labcorp Genetics (formerly Invitae), Labcorp).